The following is an entry in ClinVar:

ClinVar aggregate classification (germline): Uncertain significance. Review status: criteria provided, multiple submitters, no conflicts (2 of 4 stars). 2 submissions from 2 submitters: Uncertain significance (2). Last evaluated 2025-09-21.

Allele frequency attached by ClinVar (database versions not stated): ExAC 0.00001; gnomAD 0.00001; gnomAD exomes 0.00002 and 0.00003; TOPMed 0.00002.
gnomAD v4.1: 54 of 1,613,744 alleles (0.0033%); highest among the groups gnomAD compares: Non-Finnish European, 0.0042%; no homozygotes.

Submissions (2):

Ambry Genetics
Classification: Uncertain significance. Last evaluated: 2025-09-21. Review status: criteria provided, single submitter. Criteria: Ambry Variant Classification Scheme 2023. Collection method: clinical testing. Allele origin: germline.

Labcorp Genetics (formerly Invitae), Labcorp
Classification: Uncertain significance. Last evaluated: 2024-03-17. Review status: criteria provided, single submitter. Criteria: Invitae Variant Classification Sherloc (09022015). Collection method: clinical testing. Allele origin: germline.
Comment: This sequence change replaces arginine, which is basic and polar, with cysteine, which is neutral and slightly polar, at codon 4554 of the HMCN1 protein (p.Arg4554Cys). This variant is present in population databases (rs753805678, gnomAD 0.007%). This variant has not been reported in the literature in individuals affected with HMCN1-related conditions. ClinVar contains an entry for this variant (Variation ID: 1506643). An algorithm developed to predict the effect of missense changes on protein structure and function (PolyPhen-2) suggests that this variant is likely to be disruptive. In summary, the available evidence is currently insufficient to determine the role of this variant in disease. Therefore, it has been classified as a Variant of Uncertain Significance.

NM_031935.3(HMCN1):c.13660C>T (p.Arg4554Cys)

Gene: HMCN1 (hemicentin 1; plus strand). Cytogenetic location: 1q31.1.
Variant type: single nucleotide variant.
Coding change: c.13660C>T on transcript NM_031935.3 (MANE Select); coding-DNA position 13660, C replaced by T.
Protein change: p.Arg4554Cys; replaces arginine 4554 with cysteine.
Molecular consequence: missense variant.
Genome position (GRCh38, 1-based): chr1:186,137,575, C>T. VCF-style: chr1-186137575-C-T. GRCh37 (hg19) VCF-style: chr1-186106707-C-T.
Other names: c.13660C>T (NM_031935.2); short protein forms R4554C.
Identifiers: ClinVar variation 1506643 (VCV001506643.7), dbSNP rs753805678, ClinGen allele CA1294707.
Genomic context (GRCh38, chr1:186,137,575, plus strand): 5'-CAGTGGTCTGCATGGAGAGCCTGCAGTGTCACCTGTGGAAAAGGCATCCAAAAGAGGAGT[C>T]GTCTGTGCAACCAGCCCCTTCCAGCCAATGGTGGGAAGCCCTGCCAAGGTTCAGATTTGG-3'
Protein context (NP_114141.2, residues 4544-4564): TCGKGIQKRS[Arg4554Cys]LCNQPLPANG